The following is an entry in ClinVar:

NM_002160.4(TNC):c.2641T>G (p.Ser881Ala)

Gene: TNC (tenascin C; minus strand). Cytogenetic location: 9q33.1.
Variant type: single nucleotide variant.
Coding change: c.2641T>G on transcript NM_002160.4 (MANE Select); coding-DNA position 2641, T replaced by G.
Protein change: p.Ser881Ala; replaces serine 881 with alanine.
Molecular consequence: missense variant.
Genome position (GRCh38, 1-based): chr9:115,077,976, A>C on the plus strand (T>G on the coding strand, the complement: TNC is on the minus strand). VCF-style: chr9-115077976-A-C. GRCh37 (hg19) VCF-style: chr9-117840255-A-C.
Other names: short protein forms S881A.
Identifiers: ClinVar variation 1315747 (VCV001315747.13), dbSNP rs61737739, ClinGen allele CA5208471.

ClinVar aggregate classification (germline): Conflicting classifications of pathogenicity. Review status: criteria provided, conflicting classifications (1 of 4 stars). 5 submissions from 5 submitters: Uncertain significance (1); Likely benign (3). 1 of the submissions does not count toward it. Last evaluated 2025-10-01.

Conditions:
TNC-related disorder. Also called: TNC-related condition.

Allele frequency attached by ClinVar (database versions not stated): 1000 Genomes Project 0.00020; 1000 Genomes Project 30x 0.00031; ExAC 0.00045; gnomAD exomes 0.00056 and 0.00107; gnomAD 0.00065 and 0.00067; TOPMed 0.00067; ESP Exome Variant Server 0.00092.
gnomAD v4.1: 1,660 of 1,614,170 alleles (0.1%); highest among the groups gnomAD compares: Non-Finnish European, 0.13%; 4 homozygotes.

Submissions (5):

CeGaT Center for Human Genetics Tuebingen
Classification: Likely benign. Last evaluated: 2025-10-01. Review status: criteria provided, single submitter. Criteria: CeGaT Center For Human Genetics Tuebingen Variant Classification Criteria Version 2. Collection method: clinical testing. Allele origin: germline. Affected: yes. Observed: 1 variant allele.
Comment: TNC: BP4

Blueprint Genetics
Classification: Likely benign. Last evaluated: 2024-11-27. Review status: criteria provided, single submitter. Criteria: ACMG Guidelines, 2015. Collection method: clinical testing. Allele origin: germline.

Ambry Genetics
Classification: Uncertain significance. Last evaluated: 2021-07-27. Review status: criteria provided, single submitter. Criteria: Ambry Variant Classification Scheme 2023. Collection method: clinical testing. Allele origin: germline.

GeneDx
Classification: Likely benign. Last evaluated: 2021-04-28. Review status: criteria provided, single submitter. Criteria: GeneDx Variant Classification Process June 2021. Collection method: clinical testing. Allele origin: germline. Affected: yes.
Comment: In silico analysis, which includes protein predictors and evolutionary conservation, supports that this variant does not alter protein structure/function; Has not been previously published as pathogenic or benign to our knowledge

PreventionGenetics, part of Exact Sciences
Classification: Likely benign for TNC-related condition. Last evaluated: 2021-06-29. Review status: no assertion criteria provided. Collection method: clinical testing. Allele origin: germline. Not counted in ClinVar's aggregate classification.
Comment: This variant is classified as likely benign based on ACMG/AMP sequence variant interpretation guidelines (Richards et al. 2015 PMID: 25741868, with internal and published modifications).